The following is an entry in ClinVar:

NM_002474.3(MYH11):c.3349G>C (p.Glu1117Gln)

Gene: MYH11 (myosin heavy chain 11; minus strand). Cytogenetic location: 16p13.11.
Variant type: single nucleotide variant.
Coding change: c.3349G>C on transcript NM_002474.3 (MANE Select); coding-DNA position 3349, G replaced by C.
Protein change: p.Glu1117Gln; replaces glutamic acid 1117 with glutamine.
Molecular consequence: missense variant.
Genome position (GRCh38, 1-based): chr16:15,735,523, C>G on the plus strand (G>C on the coding strand, the complement: MYH11 is on the minus strand). VCF-style: chr16-15735523-C-G. GRCh37 (hg19) VCF-style: chr16-15829380-C-G.
Other names: c.3370G>C, p.Glu1124Gln (NM_001040114.2, NM_001040113.2); c.3349G>C, p.Glu1117Gln (NM_022844.3); short protein forms E1117Q, E1124Q.
Identifiers: ClinVar variation 3074619 (VCV003074619.4), dbSNP rs768628428, ClinGen allele CA7922010.

ClinVar aggregate classification (germline): Uncertain significance. Review status: criteria provided, multiple submitters, no conflicts (2 of 4 stars). 4 submissions from 4 submitters: Uncertain significance (4). Last evaluated 2025-09-10.

Conditions:
Aortic aneurysm, familial thoracic 4 (AAT4). Also called: AORTIC ANEURYSM/AORTIC DISSECTION AND PATENT DUCTUS ARTERIOSUS. Identifiers: MedGen C1851504, MONDO:0007568, OMIM 132900.
Megacystis-microcolon-intestinal hypoperistalsis syndrome 2. Identifiers: MedGen C5543476, MONDO:0025708, OMIM 619351.
Familial thoracic aortic aneurysm and aortic dissection (TAAD). Also called: Thoracic aortic aneurysms and dissections. Identifiers: Orphanet 91387, MedGen C4707243, MONDO:0019625.

Allele frequency attached by ClinVar (database versions not stated): ExAC 0.00001.
gnomAD v4.1: 4 of 1,614,150 alleles (0.00025%); highest among the groups gnomAD compares: East Asian, 0.0022%; no homozygotes.

Submissions (4):

Labcorp Genetics (formerly Invitae), Labcorp
Classification: Uncertain significance for Aortic aneurysm, familial thoracic 4. Last evaluated: 2025-09-10. Review status: criteria provided, single submitter. Criteria: Invitae Variant Classification Sherloc (09022015). Collection method: clinical testing. Allele origin: germline.
Comment: This sequence change replaces glutamic acid, which is acidic and polar, with glutamine, which is neutral and polar, at codon 1124 of the MYH11 protein (p.Glu1124Gln). This variant is present in population databases (rs768628428, gnomAD 0.0009%). This variant has not been reported in the literature in individuals affected with MYH11-related conditions. ClinVar contains an entry for this variant (Variation ID: 3074619). Invitae Evidence Modeling of protein sequence and biophysical properties (such as structural, functional, and spatial information, amino acid conservation, physicochemical variation, residue mobility, and thermodynamic stability) indicates that this missense variant is not expected to disrupt MYH11 protein function with a negative predictive value of 95%. In summary, the available evidence is currently insufficient to determine the role of this variant in disease. Therefore, it has been classified as a Variant of Uncertain Significance.

All of Us Research Program, National Institutes of Health
Classification: Uncertain significance for Familial thoracic aortic aneurysm and aortic dissection. Last evaluated: 2023-11-20. Review status: criteria provided, single submitter. Criteria: ACMG Guidelines, 2015. Collection method: clinical testing. Allele origin: germline. Inheritance: Autosomal dominant inheritance. Observed: 1 variant allele, 1 heterozygote.
Comment: This missense variant replaces glutamic acid with glutamine at codon 1124 of the MYH11 protein. Computational prediction suggests that this variant may not impact protein structure and function (internally defined REVEL score threshold <= 0.5, PMID: 27666373). To our knowledge, functional studies have not been reported for this variant. This variant has not been reported in individuals affected with MYH11-related disorders in the literature. This variant has been identified in 1/251486 chromosomes in the general population by the Genome Aggregation Database (gnomAD). The available evidence is insufficient to determine the role of this variant in disease conclusively. Therefore, this variant is classified as a Variant of Uncertain Significance.

This study involves interpretation of variants in research participants for the purpose of population health screening. Participant phenotype was not available at the time of variant classification. Additional details can be found in publication PMID: 35346344, PMCID: PMC8962531

Color Diagnostics, LLC DBA Color Health
Classification: Uncertain significance for Familial thoracic aortic aneurysm and aortic dissection. Last evaluated: 2023-10-25. Review status: criteria provided, single submitter. Criteria: ACMG Guidelines, 2015. Collection method: clinical testing. Allele origin: germline.
Comment: This missense variant replaces glutamic acid with glutamine at codon 1124 of the MYH11 protein. Computational prediction suggests that this variant may not impact protein structure and function. To our knowledge, functional studies have not been reported for this variant. This variant has not been reported in individuals affected with MYH11-related disorders in the literature. This variant has been identified in 1/251486 chromosomes in the general population by the Genome Aggregation Database (gnomAD). The available evidence is insufficient to determine the role of this variant in disease conclusively. Therefore, this variant is classified as a Variant of Uncertain Significance.

Clinical Genomics Laboratory, Stanford Medicine
Classification: Uncertain significance for Aortic aneurysm, familial thoracic 4; Megacystis-microcolon-intestinal hypoperistalsis syndrome 2. Last evaluated: 2023-08-31. Review status: criteria provided, single submitter. Criteria: ACMG Guidelines, 2015. Collection method: clinical testing. Allele origin: germline. Observed: 1 variant allele, 1 heterozygote.
Comment: The p.Glu1117Gln variant in the MYH11 gene has not been previously reported in association with disease. This variant has been identified in 1/113762 European (non-Finnish) chromosomes (1/251486 chromosomes overall) by the Genome Aggregation Database. Computational tools predict that this variant is neither deleterious nor benign; however, the accuracy of in silico algorithms is limited. These data were assessed using the ACMG/AMP variant interpretation guidelines. In summary, the significance of the p.Glu1117Gln variant is uncertain. Additional information is needed to resolve the significance of this variant. [ACMG evidence codes used: PM2]